The following is an entry in ClinVar:

ClinVar aggregate classification (germline): Conflicting classifications of pathogenicity. Review status: criteria provided, conflicting classifications (1 of 4 stars). 3 submissions from 3 submitters: Pathogenic (1); Likely pathogenic (1); Uncertain significance (1). Last evaluated 2024-11-07.

Submissions (3):

Blueprint Genetics
Classification: Uncertain significance. Last evaluated: 2024-11-07. Review status: criteria provided, single submitter. Criteria: ACMG Guidelines, 2015. Collection method: clinical testing. Allele origin: germline.

GeneDx
Classification: Likely pathogenic. Last evaluated: 2024-02-10. Review status: criteria provided, single submitter. Criteria: GeneDx Variant Classification Process June 2021. Collection method: clinical testing. Allele origin: germline. Affected: yes.
Comment: Frameshift variant predicted to result in protein truncation or nonsense mediated decay in a gene for which loss of function is a known mechanism of disease; Has not been previously published as pathogenic or benign to our knowledge

Labcorp Genetics (formerly Invitae), Labcorp
Classification: Pathogenic. Last evaluated: 2022-06-28. Review status: criteria provided, single submitter. Criteria: Invitae Variant Classification Sherloc (09022015). Collection method: clinical testing. Allele origin: germline.
Comment: This sequence change creates a premature translational stop signal (p.Asp409Lysfs*11) in the DSC3 gene. It is expected to result in an absent or disrupted protein product. Loss-of-function variants in DSC3 are known to be pathogenic (PMID: 18682494, 19765682, 31790667). This variant is present in population databases (rs551319355, gnomAD 0.08%). This variant has not been reported in the literature in individuals affected with DSC3-related conditions. For these reasons, this variant has been classified as Pathogenic.

Literature cited by the submitters: PubMed 18682494 (cited by Labcorp Genetics (formerly Invitae), Labcorp); PubMed 19765682 (cited by Labcorp Genetics (formerly Invitae), Labcorp); PubMed 31790667 (cited by Labcorp Genetics (formerly Invitae), Labcorp).

NM_001941.5(DSC3):c.1225_1228del (p.Asp409fs)

Gene: DSC3 (desmocollin 3; minus strand). Cytogenetic location: 18q12.1.
Variant type: Deletion.
Coding change: c.1225_1228del on transcript NM_001941.5 (MANE Select); coding-DNA positions 1225 to 1228, 4 bases deleted (GACA; older notation c.1225_1228delGACA).
Protein change: p.Asp409fs; shifts the reading frame from aspartic acid 409.
Molecular consequence: frameshift variant.
Genome position (GRCh38, 1-based): chr18:31,018,106-31,018,109, TGTC deleted on the plus strand (GACA on the coding strand, the reverse complement: DSC3 is on the minus strand); deleting any 4 consecutive bases within chr18:31,018,106-31,018,112 gives the same sequence; the c. name uses the placement nearest the transcript's 3' end. VCF-style (leftmost placement, unchanged base first): chr18-31018105-TTGTC-T. GRCh37 (hg19) VCF-style: chr18-28598071-TTGTC-T.
Other names: c.1225_1228del, p.Asp409fs (NM_024423.4); c.1225_1228del (NM_024423.3); short protein forms D409fs.
Identifiers: ClinVar variation 2054815 (VCV002054815.3), dbSNP rs551319355, ClinGen allele CA8924369.